The following is an entry in ClinVar:

NM_001378156.1(C1QB):c.538G>A (p.Val180Met)

Gene: C1QB (complement C1q B chain; plus strand). Cytogenetic location: 1p36.12.
Variant type: single nucleotide variant.
Coding change: c.538G>A on transcript NM_001378156.1 (MANE Select); coding-DNA position 538, G replaced by A.
Protein change: p.Val180Met; replaces valine 180 with methionine.
Molecular consequence: missense variant.
Genome position (GRCh38, 1-based): chr1:22,661,168, G>A. VCF-style: chr1-22661168-G-A. GRCh37 (hg19) VCF-style: chr1-22987661-G-A.
Other names: c.544G>A (NM_000491.4); c.544G>A, p.Val182Met (NM_000491.5); c.538G>A, p.Val180Met (NM_001371184.3); short protein forms V182M, V180M.
Identifiers: ClinVar variation 783927 (VCV000783927.22), dbSNP rs111512332, ClinGen allele CA678183.
Genomic context (GRCh38, chr1:22,661,168, plus strand): 5'-TGCAAGGTGCCCGGTCTCTACTACTTCACCTACCACGCCAGCTCTCGAGGGAACCTGTGC[G>A]TGAACCTCATGCGTGGCCGGGAGCGTGCACAGAAGGTGGTCACCTTCTGTGACTATGCCT-3'
Protein context (NP_001365085.1, residues 170-190): YHASSRGNLC[Val180Met]NLMRGRERAQ

ClinVar aggregate classification (germline): Benign/Likely benign. Review status: criteria provided, multiple submitters, no conflicts (2 of 4 stars). 5 submissions from 5 submitters: Benign (2); Likely benign (2). 1 of the submissions does not count toward it. Last evaluated 2026-04-01.

Conditions:
C1QB-related disorder. Also called: C1QB-related condition.

Allele frequency attached by ClinVar (database versions not stated): ESP Exome Variant Server 0.00454; 1000 Genomes Project 30x 0.00468; 1000 Genomes Project 0.00499; gnomAD exomes 0.00044 and 0.00088; ExAC 0.00114; gnomAD 0.00337 and 0.00356; TOPMed 0.00379.
gnomAD v4.1: 1,191 of 1,614,140 alleles (0.074%); highest among the groups gnomAD compares: African/African-American, 1.3%; 10 homozygotes.

Submissions (5):

CeGaT Center for Human Genetics Tuebingen
Classification: Likely benign. Last evaluated: 2026-04-01. Review status: criteria provided, single submitter. Criteria: CeGaT Center For Human Genetics Tuebingen Variant Classification Criteria Version 2. Collection method: clinical testing. Allele origin: germline. Affected: yes. Observed: 3 variant alleles.
Comment: C1QB: BP4, BS1

Women's Health and Genetics/Laboratory Corporation of America, LabCorp
Classification: Likely benign. Last evaluated: 2026-01-30. Review status: criteria provided, single submitter. Criteria: LabCorp Variant Classification Summary - May 2015. Collection method: clinical testing. Allele origin: germline.
Comment: Variant summary: C1QB c.544G>A (p.Val182Met) results in a conservative amino acid change in the encoded protein sequence. Algorithms developed to predict the effect of missense changes on protein structure and function all suggest that this variant is likely to be tolerated. The variant allele was found at a frequency of 0.00088 in 251412 control chromosomes, predominantly at a frequency of 0.012 within the African or African-American subpopulation in the gnomAD database, including 3 homozygotes. The observed variant frequency within African or African-American control individuals in the gnomAD database exceeds the estimated maximal expected allele frequency for disease-causing variants in C1QB. To our knowledge, no occurrence of c.544G>A in individuals affected with C1QB-related conditions and no experimental evidence demonstrating its impact on protein function have been reported. ClinVar contains an entry for this variant (Variation ID: 783927). Based on the evidence outlined above, the variant was classified as likely benign.

Labcorp Genetics (formerly Invitae), Labcorp
Classification: Benign. Last evaluated: 2026-01-25. Review status: criteria provided, single submitter. Criteria: Invitae Variant Classification Sherloc (09022015). Collection method: clinical testing. Allele origin: germline.

Breakthrough Genomics
Classification: Benign. Review status: criteria provided, single submitter. Criteria: ACMG Guidelines, 2015. Collection method: not provided. Allele origin: germline. Inheritance: Autosomal recessive inheritance. Affected: yes.

PreventionGenetics, part of Exact Sciences
Classification: Benign for C1QB-related condition. Last evaluated: 2024-01-12. Review status: no assertion criteria provided. Collection method: clinical testing. Allele origin: germline. Not counted in ClinVar's aggregate classification.
Comment: This variant is classified as benign based on ACMG/AMP sequence variant interpretation guidelines (Richards et al. 2015 PMID: 25741868, with internal and published modifications).